The following is an entry in ClinVar:

NM_001036.6(RYR3):c.14058G>A (p.Val4686=)

Genes: AVEN (apoptosis and caspase activation inhibitor; minus strand), RYR3 (ryanodine receptor 3; plus strand). Cytogenetic location: 15q14.
Variant type: single nucleotide variant.
Coding change: c.14058G>A on transcript NM_001036.6 (MANE Select); coding-DNA position 14058, G replaced by A.
Protein change: p.Val4686=; no amino-acid change (valine 4686 retained).
Molecular consequence: synonymous variant.
Genome position (GRCh38, 1-based): chr15:33,857,830, G>A. VCF-style: chr15-33857830-G-A. GRCh37 (hg19) VCF-style: chr15-34150031-G-A.
Other names: c.14043G>A, p.Val4681= (NM_001243996.4).
Identifiers: ClinVar variation 947984 (VCV000947984.9), dbSNP rs377333580, ClinGen allele CA489396113.

ClinVar aggregate classification (germline): Uncertain significance (1 of 4 stars; one submission).

Conditions:
Epileptic encephalopathy. Identifiers: MedGen C0543888, HP:0200134.

gnomAD v4.1: 1 of 1,614,178 alleles (0.000062%); no homozygotes.

Submission:

Labcorp Genetics (formerly Invitae), Labcorp
Classification: Uncertain significance for Epileptic encephalopathy. Last evaluated: 2020-02-23. Review status: criteria provided, single submitter. Criteria: Invitae Variant Classification Sherloc (09022015). Collection method: clinical testing. Allele origin: germline.
Comment: In summary, the available evidence is currently insufficient to determine the role of this variant in disease. Therefore, it has been classified as a Variant of Uncertain Significance. Algorithms developed to predict the effect of sequence changes on RNA splicing suggest that this variant may create or strengthen a splice site, but this prediction has not been confirmed by published transcriptional studies. This variant has not been reported in the literature in individuals with RYR3-related conditions. This variant is not present in population databases (ExAC no frequency). This sequence change affects codon 4686 of the RYR3 mRNA. It is a 'silent' change, meaning that it does not change the encoded amino acid sequence of the RYR3 protein.